The following is an entry in ClinVar:

ClinVar aggregate classification (germline): Uncertain significance. Review status: criteria provided, single submitter (1 of 4 stars). 2 submissions from 2 submitters: Uncertain significance (1). 1 of the submissions does not count toward it. Last evaluated 2022-02-24.

Conditions:
Nemaline myopathy 2 (NEM2). Also called: Nemaline myopathy 2, autosomal recessive. Identifiers: MedGen C1850569, MONDO:0009725, OMIM 256030.

Allele frequency attached by ClinVar (database versions not stated): TOPMed 0.00001.

Submissions (2):

Labcorp Genetics (formerly Invitae), Labcorp
Classification: Uncertain significance for Nemaline myopathy 2. Last evaluated: 2022-02-24. Review status: criteria provided, single submitter. Criteria: Invitae Variant Classification Sherloc (09022015). Collection method: clinical testing. Allele origin: germline.
Comment: This sequence change replaces histidine, which is basic and polar, with aspartic acid, which is acidic and polar, at codon 2735 of the NEB protein (p.His2735Asp). The frequency data for this variant in the population databases is considered unreliable, as metrics indicate poor data quality at this position in the gnomAD database. This variant has not been reported in the literature in individuals affected with NEB-related conditions. ClinVar contains an entry for this variant (Variation ID: 641457). Algorithms developed to predict the effect of missense changes on protein structure and function are either unavailable or do not agree on the potential impact of this missense change (SIFT: "Deleterious"; PolyPhen-2: "Not Available"; Align-GVGD: "Class C0"). In summary, the available evidence is currently insufficient to determine the role of this variant in disease. Therefore, it has been classified as a Variant of Uncertain Significance.

Natera, Inc.
Classification: Uncertain significance for Nemaline myopathy type 2. Last evaluated: 2020-09-16. Review status: no assertion criteria provided. Collection method: clinical testing. Allele origin: germline. Not counted in ClinVar's aggregate classification.

NM_001164508.2(NEB):c.8203C>G (p.His2735Asp)

Gene: NEB (nebulin; minus strand). Cytogenetic location: 2q23.3.
Variant type: single nucleotide variant.
Coding change: c.8203C>G on transcript NM_001164508.2 (MANE Select); coding-DNA position 8203, C replaced by G.
Protein change: p.His2735Asp; replaces histidine 2735 with aspartic acid.
Molecular consequence: missense variant.
Genome position (GRCh38, 1-based): chr2:151,642,827, G>C on the plus strand (C>G on the coding strand, the complement: NEB is on the minus strand). VCF-style: chr2-151642827-G-C. GRCh37 (hg19) VCF-style: chr2-152499341-G-C.
Other names: c.8203C>G, p.His2735Asp (NM_001164507.2, NM_001271208.2, NM_004543.5); short protein forms H2735D.
Identifiers: ClinVar variation 641457 (VCV000641457.8), dbSNP rs759848500, ClinGen allele CA348812882.